The following is an entry in ClinVar:

NM_000682.7(ADRA2B):c.1233C>T (p.Phe411=)

Gene: ADRA2B (adrenoceptor alpha 2B; minus strand). Cytogenetic location: 2q11.2.
Variant type: single nucleotide variant.
Coding change: c.1233C>T on transcript NM_000682.7 (MANE Select); coding-DNA position 1233, C replaced by T.
Protein change: p.Phe411=; no amino-acid change (phenylalanine 411 retained).
Molecular consequence: synonymous variant.
Genome position (GRCh38, 1-based): chr2:96,114,917, G>A on the plus strand (C>T on the coding strand, the complement: ADRA2B is on the minus strand). VCF-style: chr2-96114917-G-A. GRCh37 (hg19) VCF-style: chr2-96780665-G-A.
Identifiers: ClinVar variation 3054220 (VCV003054220.1), dbSNP rs746796877, ClinGen allele CA1775811.

ClinVar aggregate classification (germline): Likely benign (1 of 4 stars; one submission).

Conditions:
ADRA2B-related disorder. Also called: ADRA2B-related condition.

Allele frequency attached by ClinVar (database versions not stated): ExAC 0.00001; gnomAD 0.00001.

Submission:

PreventionGenetics, part of Exact Sciences
Classification: Likely benign for ADRA2B-related condition. Last evaluated: 2022-06-16. Review status: criteria provided, single submitter. Criteria: ACMG Guidelines, 2015. Collection method: clinical testing. Allele origin: germline.
Comment: This variant is classified as likely benign based on ACMG/AMP sequence variant interpretation guidelines (Richards et al. 2015 PMID: 25741868, with internal and published modifications).